The following is an entry in ClinVar:

NM_007254.4(PNKP):c.1321G>C (p.Ala441Pro)

Gene: PNKP (polynucleotide kinase 3'-phosphatase; minus strand). Cytogenetic location: 19q13.33.
Variant type: single nucleotide variant.
Coding change: c.1321G>C on transcript NM_007254.4 (MANE Select); coding-DNA position 1321, G replaced by C.
Protein change: p.Ala441Pro; replaces alanine 441 with proline.
Molecular consequence: missense variant.
Genome position (GRCh38, 1-based): chr19:49,861,673, C>G on the plus strand (G>C on the coding strand, the complement: PNKP is on the minus strand). VCF-style: chr19-49861673-C-G. GRCh37 (hg19) VCF-style: chr19-50364930-C-G.
Other names: short protein forms A441P.
Identifiers: ClinVar variation 4527247 (VCV004527247.1).

ClinVar aggregate classification (germline): Uncertain significance (1 of 4 stars; one submission).

Submission:

GeneDx
Classification: Uncertain significance. Last evaluated: 2025-04-28. Review status: criteria provided, single submitter. Criteria: GeneDx Variant Classification Process June 2021. Collection method: clinical testing. Allele origin: germline. Affected: yes.
Comment: Not observed at significant frequency in large population cohorts (gnomAD); In silico analysis indicates that this missense variant does not alter protein structure/function; Has not been previously published as pathogenic or benign to our knowledge